The following is an entry in ClinVar:

NM_018668.5(VPS33B):c.1697G>A (p.Arg566His)

Gene: VPS33B (VPS33B late endosome and lysosome associated; minus strand). Cytogenetic location: 15q26.1.
Variant type: single nucleotide variant.
Coding change: c.1697G>A on transcript NM_018668.5 (MANE Select); coding-DNA position 1697, G replaced by A.
Protein change: p.Arg566His; replaces arginine 566 with histidine.
Molecular consequence: missense variant.
Genome position (GRCh38, 1-based): chr15:90,999,754, C>T on the plus strand (G>A on the coding strand, the complement: VPS33B is on the minus strand). VCF-style: chr15-90999754-C-T. GRCh37 (hg19) VCF-style: chr15-91542984-C-T.
Other names: c.1616G>A, p.Arg539His (NM_001289148.1); c.1424G>A, p.Arg475His (NM_001289149.1); short protein forms R475H, R539H, R566H.
Identifiers: ClinVar variation 3366450 (VCV003366450.1).

ClinVar aggregate classification (germline): Uncertain significance (1 of 4 stars; one submission).

gnomAD v4.1: 38 of 1,614,030 alleles (0.0024%); highest among the groups gnomAD compares: South Asian, 0.0044%; no homozygotes.

Submission:

Women's Health and Genetics/Laboratory Corporation of America, LabCorp
Classification: Uncertain significance. Last evaluated: 2024-08-07. Review status: criteria provided, single submitter. Criteria: LabCorp Variant Classification Summary - May 2015. Collection method: clinical testing. Allele origin: germline.
Comment: Variant summary: VPS33B c.1697G>A (p.Arg566His) results in a non-conservative amino acid change in the encoded protein sequence. Five of five in-silico tools predict a damaging effect of the variant on protein function. The variant allele was found at a frequency of 2.8e-05 in 251492 control chromosomes. The available data on variant occurrences in the general population are insufficient to allow any conclusion about variant significance. To our knowledge, no occurrence of c.1697G>A in individuals affected with VPS33B-Related Disorders and no experimental evidence demonstrating its impact on protein function have been reported. No submitters have cited clinical-significance assessments for this variant to ClinVar. Based on the evidence outlined above, the variant was classified as uncertain significance.